The following is an entry in ClinVar:

NM_006662.3(SRCAP):c.9374G>T (p.Gly3125Val)

Gene: SRCAP (Snf2 related CREBBP activator protein; plus strand). Cytogenetic location: 16p11.2.
Variant type: single nucleotide variant.
Coding change: c.9374G>T on transcript NM_006662.3 (MANE Select); coding-DNA position 9374, G replaced by T.
Protein change: p.Gly3125Val; replaces glycine 3125 with valine.
Molecular consequence: missense variant.
Genome position (GRCh38, 1-based): chr16:30,739,414, G>T. VCF-style: chr16-30739414-G-T. GRCh37 (hg19) VCF-style: chr16-30750735-G-T.
Other names: short protein forms G3125V.
Identifiers: ClinVar variation 2634831 (VCV002634831.2), dbSNP rs2543431651, ClinGen allele CA395644332.

ClinVar aggregate classification (germline): Uncertain significance (1 of 4 stars; one submission).

Conditions:
SRCAP-related disorder. Also called: SRCAP-related condition.

Submission:

PreventionGenetics, part of Exact Sciences
Classification: Uncertain significance for SRCAP-related condition. Last evaluated: 2025-01-13. Review status: criteria provided, single submitter. Criteria: ACMG Guidelines, 2015. Collection method: clinical testing. Allele origin: germline.
Comment: The SRCAP c.9374G>T variant is predicted to result in the amino acid substitution p.Gly3125Val. To our knowledge, this variant has not been reported in the literature or in a large population database (gnomAD), indicating this variant is rare. At this time, the clinical significance of this variant is uncertain due to the absence of conclusive functional and genetic evidence.